The following is an entry in ClinVar:

NM_145893.3(RBFOX1):c.56C>G (p.Pro19Arg)

Gene: RBFOX1 (RNA binding fox-1 homolog 1; plus strand). Cytogenetic location: 16p13.3.
Variant type: single nucleotide variant.
Coding change: c.56C>G on transcript NM_145893.3 (MANE Plus Clinical); coding-DNA position 56, C replaced by G.
Protein change: p.Pro19Arg; replaces proline 19 with arginine.
Molecular consequence: missense variant. On other transcripts: intron variant (5).
Genome position (GRCh38, 1-based): chr16:7,333,057, C>G. VCF-style: chr16-7333057-C-G. GRCh37 (hg19) VCF-style: chr16-7383058-C-G.
Other names: c.56C>G, p.Pro19Arg (NM_145891.3, NM_145892.3); c.28-185090C>G (NM_001364800.2, NM_018723.4, NM_001142333.2 and 1 more transcripts); c.157-185090C>G (NM_001308117.1); c.56C>G (NM_145891.2); short protein forms P19R.
Identifiers: ClinVar variation 1468848 (VCV001468848.9), dbSNP rs376061440, ClinGen allele CA7891239.

ClinVar aggregate classification (germline): Conflicting classifications of pathogenicity. Review status: criteria provided, conflicting classifications (1 of 4 stars). 2 submissions from 2 submitters: Uncertain significance (1); Likely benign (1). Last evaluated 2025-09-22.

Conditions:
Idiopathic generalized epilepsy. Also called: Generalised epilepsy; EIG. Identifiers: MedGen C0270850, MONDO:0005579, OMIM 600669.
Inborn genetic diseases. Identifiers: MedGen C0950123, MeSH D030342.

gnomAD v4.1: 17 of 1,613,730 alleles (0.0011%); highest among the groups gnomAD compares: Admixed American, 0.005%; no homozygotes.

Submissions (2):

Ambry Genetics
Classification: Likely benign for Inborn genetic diseases. Last evaluated: 2025-09-22. Review status: criteria provided, single submitter. Criteria: Ambry Variant Classification Scheme 2023. Collection method: clinical testing. Allele origin: germline.

Labcorp Genetics (formerly Invitae), Labcorp
Classification: Uncertain significance for Idiopathic generalized epilepsy. Last evaluated: 2021-06-06. Review status: criteria provided, single submitter. Criteria: Invitae Variant Classification Sherloc (09022015). Collection method: clinical testing. Allele origin: germline.
Comment: This sequence change replaces proline with arginine at codon 19 of the RBFOX1 protein (p.Pro19Arg). The proline residue is weakly conserved and there is a moderate physicochemical difference between proline and arginine. This variant is present in population databases (rs376061440, ExAC 0.03%). This variant has not been reported in the literature in individuals with RBFOX1-related conditions. Algorithms developed to predict the effect of missense changes on protein structure and function are either unavailable or do not agree on the potential impact of this missense change (SIFT: "Tolerated"; PolyPhen-2: "Probably Damaging"; Align-GVGD: "Class C0"). In summary, the available evidence is currently insufficient to determine the role of this variant in disease. Therefore, it has been classified as a Variant of Uncertain Significance.